The following is an entry in ClinVar:

NM_020338.4(ZMIZ1):c.2759A>G (p.Gln920Arg)

Gene: ZMIZ1 (zinc finger MIZ-type containing 1; plus strand). Cytogenetic location: 10q22.3.
Variant type: single nucleotide variant.
Coding change: c.2759A>G on transcript NM_020338.4 (MANE Select); coding-DNA position 2759, A replaced by G.
Protein change: p.Gln920Arg; replaces glutamine 920 with arginine.
Molecular consequence: missense variant.
Genome position (GRCh38, 1-based): chr10:79,307,495, A>G. VCF-style: chr10-79307495-A-G. GRCh37 (hg19) VCF-style: chr10-81067252-A-G.
Other names: short protein forms Q920R.
Identifiers: ClinVar variation 4770344 (VCV004770344.1).

ClinVar aggregate classification (germline): Uncertain significance (1 of 4 stars; one submission).

Submission:

Labcorp Genetics (formerly Invitae), Labcorp
Classification: Uncertain significance. Last evaluated: 2025-05-05. Review status: criteria provided, single submitter. Criteria: Invitae Variant Classification Sherloc (09022015). Collection method: clinical testing. Allele origin: germline.
Comment: This sequence change replaces glutamine, which is neutral and polar, with arginine, which is basic and polar, at codon 920 of the ZMIZ1 protein (p.Gln920Arg). This variant is not present in population databases (gnomAD no frequency). This variant has not been reported in the literature in individuals affected with ZMIZ1-related conditions. Invitae Evidence Modeling of protein sequence and biophysical properties (such as structural, functional, and spatial information, amino acid conservation, physicochemical variation, residue mobility, and thermodynamic stability) indicates that this missense variant is not expected to disrupt ZMIZ1 protein function with a negative predictive value of 95%. In summary, the available evidence is currently insufficient to determine the role of this variant in disease. Therefore, it has been classified as a Variant of Uncertain Significance.